The following is an entry in ClinVar:

NM_001126108.2(SLC12A3):c.1050G>A (p.Ser350=)

Gene: SLC12A3 (solute carrier family 12 member 3; plus strand). Cytogenetic location: 16q13.
Variant type: single nucleotide variant.
Coding change: c.1050G>A on transcript NM_001126108.2 (MANE Select); coding-DNA position 1050, G replaced by A.
Protein change: p.Ser350=; no amino-acid change (serine 350 retained).
Molecular consequence: synonymous variant.
Genome position (GRCh38, 1-based): chr16:56,872,741, G>A. VCF-style: chr16-56872741-G-A. GRCh37 (hg19) VCF-style: chr16-56906653-G-A.
Other names: c.1050G>A, p.Ser350= (NM_000339.3); c.1047G>A, p.Ser349= (NM_001126107.2).
Identifiers: ClinVar variation 886362 (VCV000886362.6), dbSNP rs752171513, ClinGen allele CA8069308.
Genomic context (GRCh38, chr16:56,872,741, plus strand): 5'-GCCTGACTGGCGGGGTCCAGATGGCACCTTCTTCGGAATGTTCTCCATCTTCTTCCCCTC[G>A]GCCACAGGCATCCTGGCAGGGGCCAACATATCTGGTGACCTCAAGGTGAGCAGAATACTT-3'
Protein context (NP_001119580.2, residues 340-360): FFGMFSIFFP[Ser350=]ATGILAGANI

ClinVar aggregate classification (germline): Uncertain significance. Review status: criteria provided, multiple submitters, no conflicts (2 of 4 stars). 2 submissions from 2 submitters: Uncertain significance (2). Last evaluated 2018-01-13.

Conditions:
Familial hypokalemia-hypomagnesemia (GTLMNS). Also called: POTASSIUM AND MAGNESIUM DEPLETION; HYPOMAGNESEMIA-HYPOKALEMIA, PRIMARY RENOTUBULAR, WITH HYPOCALCIURIA; gitelman syndrome. Identifiers: Orphanet 358, MedGen C0268450, MONDO:0009904, OMIM 263800.

Allele frequency attached by ClinVar (database versions not stated): ExAC 0.00003; gnomAD 0.00003; TOPMed 0.00003; gnomAD exomes 0.00005 and 0.00002.

Submissions (2):

Illumina Laboratory Services, Illumina
Classification: Uncertain significance for Familial hypokalemia-hypomagnesemia. Last evaluated: 2018-01-13. Review status: criteria provided, single submitter. Criteria: ICSL Variant Classification Criteria 13 December 2019. Collection method: clinical testing. Allele origin: germline.

Juno Genomics, Hangzhou Juno Genomics, Inc
Classification: Uncertain significance for Familial hypokalemia-hypomagnesemia. Review status: criteria provided, single submitter. Criteria: ACMG Guidelines, 2015. Collection method: clinical testing. Allele origin: germline.
Comment: Null variant in a gene where loss of function (LOF) is a known mechanism of disease.;Absent from controls (or at extremely low frequency if recessive) in Genome Aggregation Database.